The following is an entry in ClinVar:

NM_000038.6(APC):c.1886T>C (p.Leu629Ser)

Gene: APC (APC regulator of Wnt signaling pathway; plus strand). Cytogenetic location: 5q22.2.
Variant type: single nucleotide variant.
Coding change: c.1886T>C on transcript NM_000038.6 (MANE Select); coding-DNA position 1886, T replaced by C.
Protein change: p.Leu629Ser; replaces leucine 629 with serine.
Molecular consequence: missense variant.
Genome position (GRCh38, 1-based): chr5:112,835,093, T>C. VCF-style: chr5-112835093-T-C. GRCh37 (hg19) VCF-style: chr5-112170790-T-C.
Other names: c.1886T>C, p.Leu629Ser (NM_001127510.3, NM_001354895.2); c.1832T>C, p.Leu611Ser (NM_001127511.3); c.1940T>C, p.Leu647Ser (NM_001354896.2); c.1916T>C, p.Leu639Ser (NM_001354897.2); c.1811T>C, p.Leu604Ser (NM_001354898.2); c.1802T>C, p.Leu601Ser (NM_001354899.2); c.1763T>C, p.Leu588Ser (NM_001354900.2); c.1709T>C, p.Leu570Ser (NM_001354901.2); and 5 more; short protein forms L469S, L538S, L588S, L528S, L611S, L639S, L647S, L346S.
Identifiers: ClinVar variation 926362 (VCV000926362.11), dbSNP rs1019221239, ClinGen allele CA16025442.

ClinVar aggregate classification (germline): Uncertain significance. Review status: criteria provided, multiple submitters, no conflicts (2 of 4 stars). 3 submissions from 3 submitters: Uncertain significance (3). Last evaluated 2025-07-09.

Conditions:
Hereditary cancer-predisposing syndrome. Also called: Neoplastic Syndromes, Hereditary; Tumor predisposition; Hereditary Cancer Syndrome; Hereditary neoplastic syndrome. Identifiers: Orphanet 140162, MedGen C0027672, MeSH D009386, MONDO:0015356.
Familial adenomatous polyposis 1 (FAP1). Also called: FAMILIAL ADENOMATOUS POLYPOSIS 1, ATTENUATED; POLYPOSIS, ADENOMATOUS INTESTINAL. Identifiers: MedGen C2713442, MONDO:0021056, OMIM 175100. Disease mechanism: loss of function.

Allele frequency attached by ClinVar (database versions not stated): gnomAD exomes below 0.00001; TOPMed 0.00001.
gnomAD v4.1: 1 of 1,614,154 alleles (0.000062%); highest among the groups gnomAD compares: Non-Finnish European, 0.000085%; no homozygotes.

Submissions (3):

Labcorp Genetics (formerly Invitae), Labcorp
Classification: Uncertain significance for Familial adenomatous polyposis 1. Last evaluated: 2025-07-09. Review status: criteria provided, single submitter. Criteria: Invitae Variant Classification Sherloc (09022015). Collection method: clinical testing. Allele origin: germline.
Comment: This sequence change replaces leucine, which is neutral and non-polar, with serine, which is neutral and polar, at codon 629 of the APC protein (p.Leu629Ser). This variant is not present in population databases (gnomAD no frequency). This variant has not been reported in the literature in individuals affected with APC-related conditions. ClinVar contains an entry for this variant (Variation ID: 926362). Invitae Evidence Modeling of protein sequence and biophysical properties (such as structural, functional, and spatial information, amino acid conservation, physicochemical variation, residue mobility, and thermodynamic stability) indicates that this missense variant is not expected to disrupt APC protein function with a negative predictive value of 95%. In summary, the available evidence is currently insufficient to determine the role of this variant in disease. Therefore, it has been classified as a Variant of Uncertain Significance.

Ambry Genetics
Classification: Uncertain significance for Hereditary cancer-predisposing syndrome. Last evaluated: 2024-04-30. Review status: criteria provided, single submitter. Criteria: Ambry Variant Classification Scheme 2023. Collection method: clinical testing. Allele origin: germline.
Comment: The p.L629S variant (also known as c.1886T>C), located in coding exon 14 of the APC gene, results from a T to C substitution at nucleotide position 1886. The leucine at codon 629 is replaced by serine, an amino acid with dissimilar properties. This amino acid position is highly conserved in available vertebrate species. In addition, in silico predictors for this gene do not accurately predict pathogenicity. Missense alterations in APC are not a common cause of disease (Spier I et al. Genet Med. 2024 Feb;26(2):100992). Based on the available evidence, the clinical significance of this variant remains unclear.

Color Diagnostics, LLC DBA Color Health
Classification: Uncertain significance for Hereditary cancer-predisposing syndrome. Last evaluated: 2019-02-27. Review status: criteria provided, single submitter. Criteria: ACMG Guidelines, 2015. Collection method: clinical testing. Allele origin: germline.